The following is an entry in ClinVar:

NM_004727.3(SLC24A1):c.2435G>A (p.Gly812Asp)

Gene: SLC24A1 (solute carrier family 24 member 1; plus strand). Cytogenetic location: 15q22.31.
Variant type: single nucleotide variant.
Coding change: c.2435G>A on transcript NM_004727.3 (MANE Select); coding-DNA position 2435, G replaced by A.
Protein change: p.Gly812Asp; replaces glycine 812 with aspartic acid.
Molecular consequence: missense variant.
Genome position (GRCh38, 1-based): chr15:65,650,584, G>A. VCF-style: chr15-65650584-G-A. GRCh37 (hg19) VCF-style: chr15-65942922-G-A.
Other names: c.416G>A, p.Gly139Asp (NM_001254740.2); c.2435G>A, p.Gly812Asp (NM_001301031.1); c.2381G>A, p.Gly794Asp (NM_001301032.1, NM_001301033.2); short protein forms G812D, G139D, G794D.
Identifiers: ClinVar variation 1509633 (VCV001509633.8), dbSNP rs1468762636, ClinGen allele CA392899347.

ClinVar aggregate classification (germline): Uncertain significance (1 of 4 stars; one submission).

Allele frequency attached by ClinVar (database versions not stated): gnomAD 0.00001; gnomAD exomes 0.00001.

Submission:

Labcorp Genetics (formerly Invitae), Labcorp
Classification: Uncertain significance. Last evaluated: 2022-01-13. Review status: criteria provided, single submitter. Criteria: Invitae Variant Classification Sherloc (09022015). Collection method: clinical testing. Allele origin: germline.
Comment: This sequence change replaces glycine, which is neutral and non-polar, with aspartic acid, which is acidic and polar, at codon 812 of the SLC24A1 protein (p.Gly812Asp). The frequency data for this variant in the population databases is considered unreliable, as metrics indicate poor data quality at this position in the gnomAD database. This variant has not been reported in the literature in individuals affected with SLC24A1-related conditions. Algorithms developed to predict the effect of missense changes on protein structure and function (SIFT, PolyPhen-2, Align-GVGD) all suggest that this variant is likely to be tolerated. In summary, the available evidence is currently insufficient to determine the role of this variant in disease. Therefore, it has been classified as a Variant of Uncertain Significance.